The following is an entry in ClinVar:

ClinVar aggregate classification (germline): Uncertain significance (1 of 4 stars; one submission).

Conditions:
Developmental and epileptic encephalopathy, 34 (DEE34). Also called: Early infantile epileptic encephalopathy 34; SLC12A5-Related Epilepsy of Infancy with Migrating Focal Seizures. Identifiers: Orphanet 293181, MedGen C4225257, MONDO:0014718, OMIM 616645.

Submission:

Labcorp Genetics (formerly Invitae), Labcorp
Classification: Uncertain significance for Developmental and epileptic encephalopathy, 34. Last evaluated: 2024-10-15. Review status: criteria provided, single submitter. Criteria: Invitae Variant Classification Sherloc (09022015). Collection method: clinical testing. Allele origin: germline.
Comment: This sequence change replaces glutamic acid, which is acidic and polar, with valine, which is neutral and non-polar, at codon 936 of the SLC12A5 protein (p.Glu936Val). This variant is not present in population databases (gnomAD no frequency). This variant has not been reported in the literature in individuals affected with SLC12A5-related conditions. ClinVar contains an entry for this variant (Variation ID: 1496849). Invitae Evidence Modeling of protein sequence and biophysical properties (such as structural, functional, and spatial information, amino acid conservation, physicochemical variation, residue mobility, and thermodynamic stability) indicates that this missense variant is not expected to disrupt SLC12A5 protein function with a negative predictive value of 80%. In summary, the available evidence is currently insufficient to determine the role of this variant in disease. Therefore, it has been classified as a Variant of Uncertain Significance.

NM_020708.5(SLC12A5):c.2807A>T (p.Glu936Val)

Gene: SLC12A5 (solute carrier family 12 member 5; plus strand). Cytogenetic location: 20q13.12.
Variant type: single nucleotide variant.
Coding change: c.2807A>T on transcript NM_020708.5 (MANE Select); coding-DNA position 2807, A replaced by T.
Protein change: p.Glu936Val; replaces glutamic acid 936 with valine.
Molecular consequence: missense variant.
Genome position (GRCh38, 1-based): chr20:46,056,169, A>T. VCF-style: chr20-46056169-A-T. GRCh37 (hg19) VCF-style: chr20-44684808-A-T.
Other names: c.2876A>T, p.Glu959Val (NM_001134771.2); short protein forms E959V, E936V.
Identifiers: ClinVar variation 1496849 (VCV001496849.8), dbSNP rs2145507497, ClinGen allele CA409207326.